The following is an entry in ClinVar:

ClinVar aggregate classification (germline): Conflicting classifications of pathogenicity. Review status: criteria provided, conflicting classifications (1 of 4 stars). 6 submissions from 6 submitters: Uncertain significance (3); Likely benign (2). 1 of the submissions does not count toward it. Last evaluated 2026-01-24.

Conditions:
RSPH4A-related disorder. Also called: RSPH4A-related condition.
Primary ciliary dyskinesia 11. Also called: CILIARY DYSKINESIA, PRIMARY, 11, WITHOUT SITUS INVERSUS. Identifiers: Orphanet 244, MedGen C2675229, MONDO:0012978, OMIM 612649.
Primary ciliary dyskinesia. Also called: Ciliary dyskinesia. Identifiers: Orphanet 244, MedGen C0008780, MONDO:0016575, HP:0012265.

Allele frequency attached by ClinVar (database versions not stated): gnomAD exomes 0.00041; ExAC 0.00049; 1000 Genomes Project 0.00160; TOPMed 0.00168; 1000 Genomes Project 30x 0.00172; gnomAD 0.00194; ESP Exome Variant Server 0.00208.
gnomAD v4.1: 402 of 1,613,992 alleles (0.025%); highest among the groups gnomAD compares: African/African-American, 0.47%; 2 homozygotes.

Submissions (6):

Labcorp Genetics (formerly Invitae), Labcorp
Classification: Likely benign for Primary ciliary dyskinesia. Last evaluated: 2026-01-24. Review status: criteria provided, single submitter. Criteria: Invitae Variant Classification Sherloc (09022015). Collection method: clinical testing. Allele origin: germline.

GeneDx
Classification: Uncertain significance. Last evaluated: 2023-06-01. Review status: criteria provided, single submitter. Criteria: GeneDx Variant Classification Process June 2021. Collection method: clinical testing. Allele origin: germline. Affected: yes.
Comment: In silico analysis supports that this missense variant does not alter protein structure/function; Has not been previously published as pathogenic or benign to our knowledge

Illumina Laboratory Services, Illumina
Classification: Uncertain significance for Primary ciliary dyskinesia 11. Last evaluated: 2018-01-13. Review status: criteria provided, single submitter. Criteria: ICSL Variant Classification Criteria 13 December 2019. Collection method: clinical testing. Allele origin: germline.

Eurofins Ntd Llc (ga)
Classification: Uncertain significance. Last evaluated: 2016-11-15. Review status: criteria provided, single submitter. Criteria: EGL Classification Definitions 2015. Collection method: clinical testing. Allele origin: germline. Observed: 1 variant allele, 1 heterozygote.

Ambry Genetics
Classification: Likely benign for Primary ciliary dyskinesia. Last evaluated: 2016-01-07. Review status: criteria provided, single submitter. Criteria: Ambry Variant Classification Scheme 2023. Collection method: clinical testing. Allele origin: germline.

PreventionGenetics, part of Exact Sciences
Classification: Likely benign for RSPH4A-related condition. Last evaluated: 2019-04-30. Review status: no assertion criteria provided. Collection method: clinical testing. Allele origin: germline. Not counted in ClinVar's aggregate classification.
Comment: This variant is classified as likely benign based on ACMG/AMP sequence variant interpretation guidelines (Richards et al. 2015 PMID: 25741868, with internal and published modifications).

NM_001010892.3(RSPH4A):c.2101G>C (p.Glu701Gln)

Gene: RSPH4A (radial spoke head component 4A; plus strand). Cytogenetic location: 6q22.1.
Variant type: single nucleotide variant.
Coding change: c.2101G>C on transcript NM_001010892.3 (MANE Select); coding-DNA position 2101, G replaced by C.
Protein change: p.Glu701Gln; replaces glutamic acid 701 with glutamine.
Molecular consequence: missense variant. On other transcripts: 3 prime UTR variant (1).
Genome position (GRCh38, 1-based): chr6:116,632,391, G>C. VCF-style: chr6-116632391-G-C. GRCh37 (hg19) VCF-style: chr6-116953554-G-C.
Other names: c.*162G>C (NM_001161664.2); short protein forms E701Q.
Identifiers: ClinVar variation 355125 (VCV000355125.22), dbSNP rs140660854, ClinGen allele CA3971115.